The following is an entry in ClinVar:

ClinVar aggregate classification (germline): Uncertain significance (1 of 4 stars; one submission).

Conditions:
Hereditary cancer-predisposing syndrome. Also called: Hereditary neoplastic syndrome; Neoplastic Syndromes, Hereditary; Tumor predisposition; Hereditary Cancer Syndrome. Identifiers: Orphanet 140162, MedGen C0027672, MeSH D009386, MONDO:0015356.

Submission:

Ambry Genetics
Classification: Uncertain significance for Hereditary cancer-predisposing syndrome. Last evaluated: 2014-12-09. Review status: criteria provided, single submitter. Criteria: Ambry Variant Classification Scheme 2023. Collection method: clinical testing. Allele origin: germline.
Comment: The p.R34T variant (also known as c.101G>C), located in coding exon 2 of the BRIP1 gene, results from a G to C substitution at nucleotide position 101. The arginine at codon 34 is replaced by threonine, an amino acid with similar properties. This variant was not reported in population based cohorts in the following databases: Database of Single Nucleotide Polymorphisms (dbSNP), NHLBI Exome Sequencing Project (ESP), and 1000 Genomes Project. In the ESP, this variant was not observed in 6503 samples (13006 alleles) with coverage at this position. To date, this alteration has been detected with an allele frequency of approximately 0.003% (greater than 40000 alleles tested) in our clinical cohort. This amino acid position is well conserved in available vertebrate species. In addition, the in silico prediction for this alteration is inconclusive. Since supporting evidence is limited at this time, the clinical significance of p.R34T remains unclear.

NM_032043.3(BRIP1):c.101G>C (p.Arg34Thr)

Gene: BRIP1 (BRCA1 interacting DNA helicase 1; minus strand). Cytogenetic location: 17q23.2.
Variant type: single nucleotide variant.
Coding change: c.101G>C on transcript NM_032043.3 (MANE Select); coding-DNA position 101, G replaced by C.
Protein change: p.Arg34Thr; replaces arginine 34 with threonine.
Molecular consequence: missense variant.
Genome position (GRCh38, 1-based): chr17:61,859,900, C>G on the plus strand (G>C on the coding strand, the complement: BRIP1 is on the minus strand). VCF-style: chr17-61859900-C-G. GRCh37 (hg19) VCF-style: chr17-59937261-C-G.
Other names: short protein forms R34T.
Identifiers: ClinVar variation 184446 (VCV000184446.5), dbSNP rs786201468, ClinGen allele CA188988.